The following is an entry in ClinVar:

NM_001382347.1(MYO5A):c.2665A>G (p.Ile889Val)

Gene: MYO5A (myosin VA; minus strand). Cytogenetic location: 15q21.2.
Variant type: single nucleotide variant.
Coding change: c.2665A>G on transcript NM_001382347.1 (MANE Select); coding-DNA position 2665, A replaced by G.
Protein change: p.Ile889Val; replaces isoleucine 889 with valine.
Molecular consequence: missense variant.
Genome position (GRCh38, 1-based): chr15:52,372,276, T>C on the plus strand (A>G on the coding strand, the complement: MYO5A is on the minus strand). VCF-style: chr15-52372276-T-C. GRCh37 (hg19) VCF-style: chr15-52664473-T-C.
Other names: c.2665A>G, p.Ile889Val (NM_000259.3, NM_001142495.2); c.2737A>G, p.Ile913Val (NM_001382348.1, NM_001382349.1); short protein forms I889V, I913V.
Identifiers: ClinVar variation 1050453 (VCV001050453.1), dbSNP rs750046342, ClinGen allele CA7568627.

ClinVar aggregate classification (germline): Uncertain significance (0 of 4 stars; one submission).

Allele frequency attached by ClinVar (database versions not stated): gnomAD 0.00001 and 0.00005; TOPMed 0.00002; gnomAD exomes 0.00008 and 0.00019; ExAC 0.00022.
gnomAD v4.1: 129 of 1,611,472 alleles (0.008%); highest among the groups gnomAD compares: South Asian, 0.13%; no homozygotes.

Submission:

Department of Pathology and Laboratory Medicine, Sinai Health System
Classification: Uncertain significance. Review status: no assertion criteria provided. Collection method: clinical testing. Allele origin: unknown. Affected: yes. Study: The Canadian Open Genetics Repository (COGR).
Comment: The MYO5A p.I889V variant was not identified in the literature nor was it identified in ClinVar. The variant was identified in dbSNP (ID: rs750046342) and in control databases in 48 of 278768 chromosomes at a frequency of 0.0001722 (Genome Aggregation Database March 6, 2019, v2.1.1). The p.I889 residue is conserved in mammals and computational analyses (MUT Assesor, PolyPhen-2, SIFT, MutationTaster, Revel, FATHMM, MetaLR, DANN) provide inconsistent predictions regarding the impact to the protein; this information is not very predictive of pathogenicity. The variant occurs outside of the splicing consensus sequence and in silico or computational prediction software programs (Splice AI exome) do not predict a deleterious effect on splicing. In summary, based on the above information the clinical significance of this variant cannot be determined with certainty at this time. This variant is classified as a variant of uncertain significance.